The following is an entry in ClinVar:

NM_002907.4(RECQL):c.566T>C (p.Val189Ala)

Gene: RECQL (RecQ like helicase; minus strand). Cytogenetic location: 12p12.1.
Variant type: single nucleotide variant.
Coding change: c.566T>C on transcript NM_002907.4 (MANE Select); coding-DNA position 566, T replaced by C.
Protein change: p.Val189Ala; replaces valine 189 with alanine.
Molecular consequence: missense variant.
Genome position (GRCh38, 1-based): chr12:21,483,510, A>G on the plus strand (T>C on the coding strand, the complement: RECQL is on the minus strand). VCF-style: chr12-21483510-A-G. GRCh37 (hg19) VCF-style: chr12-21636444-A-G.
Other names: c.566T>C, p.Val189Ala (NM_032941.3); short protein forms V189A.
Identifiers: ClinVar variation 1748965 (VCV001748965.2), dbSNP rs1015267023, ClinGen allele CA384127535.

ClinVar aggregate classification (germline): Uncertain significance (1 of 4 stars; one submission).

gnomAD v4.1: 1 of 1,586,908 alleles (0.000063%); highest among the groups gnomAD compares: Non-Finnish European, 0.000085%; no homozygotes.

Submission:

Ambry Genetics
Classification: Uncertain significance. Last evaluated: 2022-08-09. Review status: criteria provided, single submitter. Criteria: Ambry Variant Classification Scheme 2023. Collection method: clinical testing. Allele origin: germline.
Comment: The p.V189A variant (also known as c.566T>C), located in coding exon 5 of the RECQL gene, results from a T to C substitution at nucleotide position 566. The valine at codon 189 is replaced by alanine, an amino acid with similar properties. This amino acid position is conserved. In addition, this alteration is predicted to be deleterious by in silico analysis. Since supporting evidence is limited at this time, the clinical significance of this alteration remains unclear.